The following is an entry in ClinVar:

NM_006258.4(PRKG1):c.398G>A (p.Cys133Tyr)

Gene: PRKG1 (protein kinase cGMP-dependent 1; plus strand). Cytogenetic location: 10q21.1.
Variant type: single nucleotide variant.
Coding change: c.398G>A on transcript NM_006258.4 (MANE Select); coding-DNA position 398, G replaced by A.
Protein change: p.Cys133Tyr; replaces cysteine 133 with tyrosine.
Molecular consequence: missense variant.
Genome position (GRCh38, 1-based): chr10:51,153,250, G>A. VCF-style: chr10-51153250-G-A. GRCh37 (hg19) VCF-style: chr10-52913010-G-A.
Other names: c.353G>A, p.Cys118Tyr (NM_001098512.3); c.398G>A, p.Cys133Tyr (NM_001374782.1); short protein forms C133Y, C118Y.
Identifiers: ClinVar variation 3728660 (VCV003728660.2).

ClinVar aggregate classification (germline): Uncertain significance (1 of 4 stars; one submission).

Conditions:
Aortic aneurysm, familial thoracic 8 (AAT8). Identifiers: MedGen C3809513, MONDO:0014187, OMIM 615436.

Submission:

Labcorp Genetics (formerly Invitae), Labcorp
Classification: Uncertain significance for Aortic aneurysm, familial thoracic 8. Last evaluated: 2025-01-07. Review status: criteria provided, single submitter. Criteria: Invitae Variant Classification Sherloc (09022015). Collection method: clinical testing. Allele origin: germline.
Comment: This sequence change replaces cysteine, which is neutral and slightly polar, with tyrosine, which is neutral and polar, at codon 133 of the PRKG1 protein (p.Cys133Tyr). This variant is not present in population databases (gnomAD no frequency). This variant has not been reported in the literature in individuals affected with PRKG1-related conditions. An algorithm developed to predict the effect of missense changes on protein structure and function (PolyPhen-2) suggests that this variant is likely to be tolerated. In summary, the available evidence is currently insufficient to determine the role of this variant in disease. Therefore, it has been classified as a Variant of Uncertain Significance.